The following is an entry in ClinVar:

ClinVar aggregate classification (germline): Uncertain significance (1 of 4 stars; one submission).

Submission:

Labcorp Genetics (formerly Invitae), Labcorp
Classification: Uncertain significance. Last evaluated: 2022-03-27. Review status: criteria provided, single submitter. Criteria: Invitae Variant Classification Sherloc (09022015). Collection method: clinical testing. Allele origin: germline.
Comment: This sequence change replaces glutamic acid, which is acidic and polar, with aspartic acid, which is acidic and polar, at codon 958 of the COL18A1 protein (p.Glu958Asp). This variant is not present in population databases (gnomAD no frequency). This variant has not been reported in the literature in individuals affected with COL18A1-related conditions. Experimental studies and prediction algorithms are not available or were not evaluated, and the functional significance of this variant is currently unknown. In summary, the available evidence is currently insufficient to determine the role of this variant in disease. Therefore, it has been classified as a Variant of Uncertain Significance.

NM_001379500.1(COL18A1):c.2883G>C (p.Glu961Asp)

Genes: COL18A1 (collagen type XVIII alpha 1 chain; plus strand), SLC19A1 (solute carrier family 19 member 1; minus strand). Cytogenetic location: 21q22.3.
Variant type: single nucleotide variant.
Coding change: c.2883G>C on transcript NM_001379500.1 (MANE Select); coding-DNA position 2883, G replaced by C.
Protein change: p.Glu961Asp; replaces glutamic acid 961 with aspartic acid.
Molecular consequence: missense variant.
Genome position (GRCh38, 1-based): chr21:45,505,148, G>C. VCF-style: chr21-45505148-G-C. GRCh37 (hg19) VCF-style: chr21-46925062-G-C.
Other names: c.3414G>C, p.Glu1138Asp (NM_030582.4); c.4119G>C, p.Glu1373Asp (NM_130444.3); short protein forms E1138D, E1373D, E961D.
Identifiers: ClinVar variation 1941479 (VCV001941479.2), dbSNP rs2037115500, ClinGen allele CA410499402.